The following is an entry in ClinVar:

ClinVar aggregate classification (germline): Uncertain significance. Review status: criteria provided, multiple submitters, no conflicts (2 of 4 stars). 2 submissions from 2 submitters: Uncertain significance (2). Last evaluated 2024-05-09.

Allele frequency attached by ClinVar (database versions not stated): TOPMed below 0.00001; gnomAD 0.00001; ExAC 0.00002; ESP Exome Variant Server 0.00008.
gnomAD v4.1: 13 of 1,614,046 alleles (0.00081%); highest among the groups gnomAD compares: Admixed American, 0.005%; no homozygotes.

Submissions (2):

Blueprint Genetics
Classification: Uncertain significance. Last evaluated: 2024-05-09. Review status: criteria provided, single submitter. Criteria: ACMG Guidelines, 2015. Collection method: clinical testing. Allele origin: germline.

Labcorp Genetics (formerly Invitae), Labcorp
Classification: Uncertain significance. Last evaluated: 2022-07-24. Review status: criteria provided, single submitter. Criteria: Invitae Variant Classification Sherloc (09022015). Collection method: clinical testing. Allele origin: germline.
Comment: In summary, the available evidence is currently insufficient to determine the role of this variant in disease. Therefore, it has been classified as a Variant of Uncertain Significance. This variant disrupts the p.Arg276 amino acid residue in AGBL5. Other variant(s) that disrupt this residue have been determined to be pathogenic (PMID: 26355662). This suggests that this residue is clinically significant, and that variants that disrupt this residue are likely to be disease-causing. Algorithms developed to predict the effect of missense changes on protein structure and function (SIFT, PolyPhen-2, Align-GVGD) all suggest that this variant is likely to be disruptive. This variant has not been reported in the literature in individuals affected with AGBL5-related conditions. This variant is present in population databases (rs141571521, gnomAD 0.003%). This sequence change replaces arginine, which is basic and polar, with glutamine, which is neutral and polar, at codon 276 of the AGBL5 protein (p.Arg276Gln).

Literature cited by the submitters: PubMed 26355662 (cited by Labcorp Genetics (formerly Invitae), Labcorp).

NM_021831.6(AGBL5):c.827G>A (p.Arg276Gln)

Gene: AGBL5 (AGBL carboxypeptidase 5; plus strand). Cytogenetic location: 2p23.3.
Variant type: single nucleotide variant.
Coding change: c.827G>A on transcript NM_021831.6 (MANE Select); coding-DNA position 827, G replaced by A.
Protein change: p.Arg276Gln; replaces arginine 276 with glutamine.
Molecular consequence: missense variant. On other transcripts: non-coding transcript variant (2).
Genome position (GRCh38, 1-based): chr2:27,055,172, G>A. VCF-style: chr2-27055172-G-A. GRCh37 (hg19) VCF-style: chr2-27278040-G-A.
Other names: c.827G>A, p.Arg276Gln (NM_001035506.1, NM_001035507.3); short protein forms R276Q.
Identifiers: ClinVar variation 1937889 (VCV001937889.6), dbSNP rs141571521, ClinGen allele CA1567737.